The following is an entry in ClinVar:

ClinVar aggregate classification (germline): Likely pathogenic (1 of 4 stars; one submission).

Conditions:
Marfan syndrome (MFS). Also called: MARFAN SYNDROME, TYPE I; Marfan syndrome type 1; Marfan's syndrome; Marfan syndrome, classic; FBN1-Related Marfan Syndrome. Identifiers: Orphanet 284963, Orphanet 558, MedGen C0024796, MONDO:0007947, OMIM 154700.
Familial thoracic aortic aneurysm and aortic dissection (TAAD). Also called: Thoracic aortic aneurysms and dissections. Identifiers: Orphanet 91387, MedGen C4707243, MONDO:0019625.

Submission:

Labcorp Genetics (formerly Invitae), Labcorp
Classification: Likely pathogenic for Marfan syndrome; Familial thoracic aortic aneurysm and aortic dissection. Last evaluated: 2023-01-02. Review status: criteria provided, single submitter. Criteria: Invitae Variant Classification Sherloc (09022015). Collection method: clinical testing. Allele origin: germline.
Comment: In summary, the currently available evidence indicates that the variant is pathogenic, but additional data are needed to prove that conclusively. Therefore, this variant has been classified as Likely Pathogenic. This variant affects a cysteine residue in the EGF-like, TGFBP or hybrid motif domains of FBN1. Cysteine residues are believed to be involved in intramolecular disulfide bridges and have been shown to be important for FBN1 protein structure (PMID: 16905551, 19349279). In addition, missense substitutions affecting cysteine residues within these domains are significantly overrepresented among patients with Marfan syndrome (PMID: 16571647, 17701892). Advanced modeling of protein sequence and biophysical properties (such as structural, functional, and spatial information, amino acid conservation, physicochemical variation, residue mobility, and thermodynamic stability) performed at Invitae indicates that this missense variant is expected to disrupt FBN1 protein function. This variant has not been reported in the literature in individuals affected with FBN1-related conditions. This variant is not present in population databases (gnomAD no frequency). This sequence change replaces cysteine, which is neutral and slightly polar, with glycine, which is neutral and non-polar, at codon 2535 of the FBN1 protein (p.Cys2535Gly).

Literature cited by the submitters: PubMed 16905551; PubMed 19349279; PubMed 16571647; PubMed 17701892.

NM_000138.5(FBN1):c.7603T>G (p.Cys2535Gly)

Gene: FBN1 (fibrillin 1; minus strand). Cytogenetic location: 15q21.1.
Variant type: single nucleotide variant.
Coding change: c.7603T>G on transcript NM_000138.5 (MANE Select); coding-DNA position 7603, T replaced by G.
Protein change: p.Cys2535Gly; replaces cysteine 2535 with glycine.
Molecular consequence: missense variant.
Genome position (GRCh38, 1-based): chr15:48,421,654, A>C on the plus strand (T>G on the coding strand, the complement: FBN1 is on the minus strand). VCF-style: chr15-48421654-A-C. GRCh37 (hg19) VCF-style: chr15-48713851-A-C.
Other names: c.7603T>G, p.Cys2535Gly (NM_001406716.1); short protein forms C2535G.
Identifiers: ClinVar variation 2942904 (VCV002942904.3), dbSNP rs1555394212, ClinGen allele CA392325742.